The following is an entry in ClinVar:

NM_001457.4(FLNB):c.1267C>G (p.Pro423Ala)

Gene: FLNB (filamin B; plus strand). Cytogenetic location: 3p14.3.
Variant type: single nucleotide variant.
Coding change: c.1267C>G on transcript NM_001457.4 (MANE Select); coding-DNA position 1267, C replaced by G.
Protein change: p.Pro423Ala; replaces proline 423 with alanine.
Molecular consequence: missense variant.
Genome position (GRCh38, 1-based): chr3:58,098,830, C>G. VCF-style: chr3-58098830-C-G. GRCh37 (hg19) VCF-style: chr3-58084557-C-G.
Other names: c.1267C>G, p.Pro423Ala (NM_001164317.2, NM_001164318.2, NM_001164319.2); c.1267C>G (NM_001457.3); short protein forms P423A.
Identifiers: ClinVar variation 2705171 (VCV002705171.4), dbSNP rs755517689, ClinGen allele CA75427363.

ClinVar aggregate classification (germline): Conflicting classifications of pathogenicity. Review status: criteria provided, conflicting classifications (1 of 4 stars). 2 submissions from 2 submitters: Uncertain significance (1); Likely benign (1). Last evaluated 2025-01-04.

Conditions:
FLNB-related disorder. Also called: FLNB-related disorders; FLNB-related condition. Identifiers: MedGen CN381095.

Allele frequency attached by ClinVar (database versions not stated): gnomAD exomes below 0.00001; gnomAD 0.00001; TOPMed 0.00002.
gnomAD v4.1: 6 of 1,614,012 alleles (0.00037%); highest among the groups gnomAD compares: African/African-American, 0.0013%; no homozygotes.

Submissions (2):

PreventionGenetics, part of Exact Sciences
Classification: Uncertain significance for FLNB-related condition. Last evaluated: 2025-01-04. Review status: criteria provided, single submitter. Criteria: ACMG Guidelines, 2015. Collection method: clinical testing. Allele origin: germline.
Comment: The FLNB c.1267C>G variant is predicted to result in the amino acid substitution p.Pro423Ala. To our knowledge, this variant has not been reported in the literature. This variant is reported in 0.0062% of alleles in individuals of African descent in gnomAD. At this time, the clinical significance of this variant is uncertain due to the absence of conclusive functional and genetic evidence.

Labcorp Genetics (formerly Invitae), Labcorp
Classification: Likely benign. Last evaluated: 2023-12-24. Review status: criteria provided, single submitter. Criteria: Invitae Variant Classification Sherloc (09022015). Collection method: clinical testing. Allele origin: germline.